The following is an entry in ClinVar:

NM_198428.3(BBS9):c.2468G>A (p.Gly823Asp)

Gene: BBS9 (Bardet-Biedl syndrome 9; plus strand). Cytogenetic location: 7p14.3.
Variant type: single nucleotide variant.
Coding change: c.2468G>A on transcript NM_198428.3 (MANE Select); coding-DNA position 2468, G replaced by A.
Protein change: p.Gly823Asp; replaces glycine 823 with aspartic acid.
Molecular consequence: missense variant. On other transcripts: non-coding transcript variant (3).
Genome position (GRCh38, 1-based): chr7:33,534,123, G>A. VCF-style: chr7-33534123-G-A. GRCh37 (hg19) VCF-style: chr7-33573735-G-A.
Other names: c.2468G>A, p.Gly823Asp (NM_001348041.4, NM_001348043.3, NM_001362679.1 and 1 more transcripts); c.2333G>A, p.Gly778Asp (NM_001348042.3); c.1997G>A, p.Gly666Asp (NM_001348044.3); c.2363G>A, p.Gly788Asp (NM_001033604.2); c.2453G>A, p.Gly818Asp (NM_001033605.2); c.2090G>A, p.Gly697Asp (NM_001348039.3); c.2348G>A, p.Gly783Asp (NM_001348040.3, NM_014451.4); c.2102G>A, p.Gly701Asp (NM_001348045.3, NM_001348046.3); and 2 more; short protein forms G666D, G732D, G823D, G640D, G697D, G788D, G818D, G701D.
Identifiers: ClinVar variation 957536 (VCV000957536.10), dbSNP rs1176589347, ClinGen allele CA367257050.

ClinVar aggregate classification (germline): Uncertain significance. Review status: criteria provided, multiple submitters, no conflicts (2 of 4 stars). 2 submissions from 2 submitters: Uncertain significance (2). Last evaluated 2024-06-17.

Conditions:
Bardet-Biedl syndrome 9 (BBS9). Identifiers: Orphanet 110, MedGen C1859567, MONDO:0014437, OMIM 615986.
Bardet-Biedl syndrome (BBS). Identifiers: Orphanet 110, MedGen C0752166, MONDO:0015229.

Allele frequency attached by ClinVar (database versions not stated): gnomAD exomes 0.00001; TOPMed 0.00001; gnomAD 0.00002.
gnomAD v4.1: 23 of 1,614,034 alleles (0.0014%); highest among the groups gnomAD compares: Non-Finnish European, 0.0018%; no homozygotes.

Submissions (2):

Fulgent Genetics
Classification: Uncertain significance for Bardet-Biedl syndrome 9. Last evaluated: 2024-06-17. Review status: criteria provided, single submitter. Criteria: ACMG Guidelines, 2015. Collection method: clinical testing. Allele origin: germline.

Labcorp Genetics (formerly Invitae), Labcorp
Classification: Uncertain significance for Bardet-Biedl syndrome. Last evaluated: 2024-02-17. Review status: criteria provided, single submitter. Criteria: Invitae Variant Classification Sherloc (09022015). Collection method: clinical testing. Allele origin: germline.
Comment: This sequence change replaces glycine, which is neutral and non-polar, with aspartic acid, which is acidic and polar, at codon 823 of the BBS9 protein (p.Gly823Asp). This variant is present in population databases (no rsID available, gnomAD 0.007%). This variant has not been reported in the literature in individuals affected with BBS9-related conditions. ClinVar contains an entry for this variant (Variation ID: 957536). Advanced modeling of protein sequence and biophysical properties (such as structural, functional, and spatial information, amino acid conservation, physicochemical variation, residue mobility, and thermodynamic stability) performed at Invitae indicates that this missense variant is expected to disrupt BBS9 protein function with a positive predictive value of 80%. In summary, the available evidence is currently insufficient to determine the role of this variant in disease. Therefore, it has been classified as a Variant of Uncertain Significance.